The following is an entry in ClinVar:

NM_000463.3(UGT1A1):c.1161C>T (p.Pro387=)

Genes: UGT1A (UDP glucuronosyltransferase family 1 member A complex locus; plus strand), UGT1A1 (UDP glucuronosyltransferase family 1 member A1; plus strand), UGT1A10 (UDP glucuronosyltransferase family 1 member A10; plus strand), UGT1A3 (UDP glucuronosyltransferase family 1 member A3; plus strand), UGT1A4 (UDP glucuronosyltransferase family 1 member A4; plus strand) and 5 more. Cytogenetic location: 2q37.1.
Variant type: single nucleotide variant.
Coding change: c.1161C>T on transcript NM_000463.3 (MANE Select); coding-DNA position 1161, C replaced by T.
Protein change: p.Pro387=; no amino-acid change (proline 387 retained).
Molecular consequence: synonymous variant.
Genome position (GRCh38, 1-based): chr2:233,768,296, C>T. VCF-style: chr2-233768296-C-T. GRCh37 (hg19) VCF-style: chr2-234676942-C-T.
Other names: c.1152C>T, p.Pro384= (NM_019075.4, NM_019076.5, NM_019077.3 and 1 more transcripts); c.1158C>T, p.Pro386= (NM_001072.4); c.357C>T, p.Pro119= (NM_205862.3); c.1164C>T, p.Pro388= (NM_019078.2, NM_007120.3, NM_019093.4).
Identifiers: ClinVar variation 501357 (VCV000501357.15), dbSNP rs763217521, ClinGen allele CA2180021.

ClinVar aggregate classification (germline): Conflicting classifications of pathogenicity. Review status: criteria provided, conflicting classifications (1 of 4 stars). 3 submissions from 3 submitters: Uncertain significance (1); Likely benign (1). 1 of the submissions does not count toward it. Last evaluated 2024-04-24.

Conditions:
UGT1A1-related disorder. Also called: UGT1A1-related condition; UGT1A1-related disorders.

Allele frequency attached by ClinVar (database versions not stated): ExAC 0.00001; gnomAD 0.00001; gnomAD exomes 0.00001 and 0.00002; TOPMed 0.00005.
gnomAD v4.1: 13 of 1,614,024 alleles (0.00081%); highest among the groups gnomAD compares: African/African-American, 0.011%; no homozygotes.

Submissions (3):

Labcorp Genetics (formerly Invitae), Labcorp
Classification: Likely benign. Last evaluated: 2024-04-24. Review status: criteria provided, single submitter. Criteria: Invitae Variant Classification Sherloc (09022015). Collection method: clinical testing. Allele origin: germline.

Eurofins Ntd Llc (ga)
Classification: Uncertain significance. Last evaluated: 2017-04-11. Review status: criteria provided, single submitter. Criteria: EGL Classification Definitions 2015. Collection method: clinical testing. Allele origin: germline. Observed: 3 variant alleles, 3 heterozygotes.

PreventionGenetics, part of Exact Sciences
Classification: Likely benign for UGT1A1-related condition. Last evaluated: 2024-05-09. Review status: no assertion criteria provided. Collection method: clinical testing. Allele origin: germline. Not counted in ClinVar's aggregate classification.
Comment: This variant is classified as likely benign based on ACMG/AMP sequence variant interpretation guidelines (Richards et al. 2015 PMID: 25741868, with internal and published modifications).